The following is an entry in ClinVar:

NM_004655.4(AXIN2):c.2388_2394del (p.Ser796fs)

Gene: AXIN2 (axin 2; minus strand). Cytogenetic location: 17q24.1.
Variant type: Deletion.
Coding change: c.2388_2394del on transcript NM_004655.4 (MANE Select); coding-DNA positions 2388 to 2394, 7 bases deleted (CAAAAAG; older notation c.2388_2394delCAAAAAG).
Protein change: p.Ser796fs; shifts the reading frame from serine 796.
Molecular consequence: frameshift variant.
Genome position (GRCh38, 1-based): chr17:65,533,923-65,533,929, CTTTTTG deleted on the plus strand (CAAAAAG on the coding strand, the reverse complement: AXIN2 is on the minus strand); deleting any 7 consecutive bases within chr17:65,533,923-65,533,931 gives the same sequence; the c. name uses the placement nearest the transcript's 3' end. VCF-style (leftmost placement, unchanged base first): chr17-65533922-CCTTTTTG-C. GRCh37 (hg19) VCF-style: chr17-63530040-CCTTTTTG-C.
Other names: c.2193_2199del, p.Ser731fs (NM_001363813.1); c.2388_2394delCAAAAAG (NM_004655.3); short protein forms S731fs, S796fs.
Identifiers: ClinVar variation 3224398 (VCV003224398.1), dbSNP rs2509388405, ClinGen allele CA2825002592.
Genomic context (GRCh38, chr17:65,533,922, plus strand): 5'-TGGTTCTGAGCAAACAAACTGAGAGCAGAAAAAAGCCACAGGACTCTTACCTATAATTTC[CCTTTTTG>C]CTGAGCTGCTCTTTAAAGTGGCCCAGGGTCAAGCTCTGAGCCTTCAGCATCCTCCGGTAT-3'

ClinVar aggregate classification (germline): Uncertain significance (1 of 4 stars; one submission).

Conditions:
Hereditary cancer-predisposing syndrome. Also called: Tumor predisposition; Hereditary neoplastic syndrome; Hereditary Cancer Syndrome; Neoplastic Syndromes, Hereditary. Identifiers: Orphanet 140162, MedGen C0027672, MeSH D009386, MONDO:0015356.

Submission:

Ambry Genetics
Classification: Uncertain significance for Hereditary cancer-predisposing syndrome. Last evaluated: 2024-03-06. Review status: criteria provided, single submitter. Criteria: Ambry Variant Classification Scheme 2023. Collection method: clinical testing. Allele origin: germline.
Comment: The c.2388_2394delCAAAAAG variant, located in coding exon 9 of the AXIN2 gene, results from a deletion of 7 nucleotides at nucleotide positions 2388 to 2394, causing a translational frameshift with a predicted alternate stop codon (p.S796Rfs*63). This alteration occurs at the 3' terminus of theAXIN2 gene, is not expected to trigger nonsense-mediated mRNAdecay, and only impacts the last 48 amino acids (5.7%) of the protein. The exact functional effect of this alteration is unknown. Based on the available evidence, the clinical significance of this alteration remains unclear.